The following is an entry in ClinVar:

NM_000051.4(ATM):c.2270del (p.Gly757fs)

Gene: ATM (ATM serine/threonine kinase; plus strand). Cytogenetic location: 11q22.3.
Variant type: Deletion.
Coding change: c.2270del on transcript NM_000051.4 (MANE Select); coding-DNA position 2270, one base deleted (G; older notation c.2270delG).
Protein change: p.Gly757fs; shifts the reading frame from glycine 757.
Molecular consequence: frameshift variant.
Genome position (GRCh38, 1-based): chr11:108,257,500, G deleted; the last of 2 consecutive G bases (chr11:108,257,499-108,257,500); deleting either gives the same sequence. VCF-style (leftmost placement, unchanged base first): chr11-108257498-AG-A. GRCh37 (hg19) VCF-style: chr11-108128225-AG-A.
Other names: c.2270del, p.Gly757fs (NM_001351834.2); c.2270delG (NM_000051.3); short protein forms G757fs.
Identifiers: ClinVar variation 566166 (VCV000566166.6), dbSNP rs1565397022, ClinGen allele CA891842958.

ClinVar aggregate classification (germline): Pathogenic (1 of 4 stars; one submission).

Conditions:
Ataxia-telangiectasia syndrome (AT). Also called: Ataxia telangiectasia (A-T); Ataxia-telangiectasia, complementation group D; AT, COMPLEMENTATION GROUP C; ATAXIA-TELANGIECTASIA, COMPLEMENTATION GROUP A; Ataxia-telangiectasia, complementation group E; ATAXIA-TELANGIECTASIA, FRESNO VARIANT. Identifiers: Orphanet 100, MedGen C0004135, MONDO:0008840, OMIM 208900.

Submission:

Labcorp Genetics (formerly Invitae), Labcorp
Classification: Pathogenic for Ataxia-telangiectasia syndrome. Last evaluated: 2018-05-29. Review status: criteria provided, single submitter. Criteria: Invitae Variant Classification Sherloc (09022015). Collection method: clinical testing. Allele origin: germline.
Comment: Loss-of-function variants in ATM are known to be pathogenic (PMID: 23807571, 25614872). For these reasons, this variant has been classified as Pathogenic. This variant has not been reported in the literature in individuals with ATM-related disease. This variant is not present in population databases (ExAC no frequency). This sequence change creates a premature translational stop signal (p.Gly757Glufs*20) in the ATM gene. It is expected to result in an absent or disrupted protein product.

Literature cited by the submitters: PubMed 23807571; PubMed 25614872.